The following is an entry in ClinVar:

ClinVar aggregate classification (germline): Uncertain significance (1 of 4 stars; one submission).

Conditions:
Hajdu-Cheney syndrome (HJCYS). Also called: ACROOSTEOLYSIS WITH OSTEOPOROSIS AND CHANGES IN SKULL AND MANDIBLE; SERPENTINE FIBULA-POLYCYSTIC KIDNEY SYNDROME; Acroosteolysis dominant type. Identifiers: Orphanet 955, MedGen C0917715, MONDO:0007057, OMIM 102500.

Submission:

MGZ Medical Genetics Center
Classification: Uncertain significance for Hajdu-Cheney syndrome. Last evaluated: 2022-07-07. Review status: criteria provided, single submitter. Criteria: ACMG Guidelines, 2015. Collection method: clinical testing. Allele origin: germline. Affected: yes. Observed: 1 variant allele.
Comment: ACMG criteria applied: PS2_MOD, PM2_SUP, PP2

NM_024408.4(NOTCH2):c.5496G>T (p.Leu1832Phe)

Gene: NOTCH2 (notch receptor 2; minus strand). Cytogenetic location: 1p12.
Variant type: single nucleotide variant.
Coding change: c.5496G>T on transcript NM_024408.4 (MANE Select); coding-DNA position 5496, G replaced by T.
Protein change: p.Leu1832Phe; replaces leucine 1832 with phenylalanine.
Molecular consequence: missense variant.
Genome position (GRCh38, 1-based): chr1:119,919,597, C>A on the plus strand (G>T on the coding strand, the complement: NOTCH2 is on the minus strand). VCF-style: chr1-119919597-C-A. GRCh37 (hg19) VCF-style: chr1-120462220-C-A.
Other names: short protein forms L1832F.
Identifiers: ClinVar variation 1709642 (VCV001709642.1), dbSNP rs2526120376, ClinGen allele CA341885041.